The following is an entry in ClinVar:

NM_001375808.2(LPIN2):c.-10+1381T>C

Gene: LPIN2 (lipin 2; minus strand). Cytogenetic location: 18p11.31.
Variant type: single nucleotide variant.
Coding change: c.-10+1381T>C on transcript NM_001375808.2 (MANE Select); 1381 bases into the intron after 10 bases upstream of the start codon, T replaced by C.
Molecular consequence: intron variant.
Genome position (GRCh38, 1-based): chr18:3,011,706, A>G on the plus strand (T>C on the coding strand, the complement: LPIN2 is on the minus strand). VCF-style: chr18-3011706-A-G. GRCh37 (hg19) VCF-style: chr18-3011704-A-G.
Other names: c.-10+12T>C (NM_014646.2); c.-10+1331T>C (NM_001375809.1).
Identifiers: ClinVar variation 326650 (VCV000326650.10), dbSNP rs566304730, ClinGen allele CA10650704.

ClinVar aggregate classification (germline): Conflicting classifications of pathogenicity. Review status: criteria provided, conflicting classifications (1 of 4 stars). 4 submissions from 4 submitters: Uncertain significance (1); Likely benign (2). 1 of the submissions does not count toward it. Last evaluated 2023-11-22.

Conditions:
LPIN2-related disorder. Also called: LPIN2-related condition.
Majeed syndrome (MJDS). Also called: CHRONIC RECURRENT MULTIFOCAL OSTEOMYELITIS 1, WITH CONGENITAL DYSERYTHROPOIETIC ANEMIA, WITH OR WITHOUT NEUTROPHILIC DERMATOSIS; LPIN2-Related Majeed Syndrome. Identifiers: Orphanet 77297, MedGen C1864997, MONDO:0012316, OMIM 609628.

Allele frequency attached by ClinVar (database versions not stated): 1000 Genomes Project 0.00160; gnomAD 0.00165 and 0.00176; TOPMed 0.00183; 1000 Genomes Project 30x 0.00234.

Submissions (4):

ARUP Laboratories, Molecular Genetics and Genomics, ARUP Laboratories
Classification: Likely benign for Majeed syndrome. Last evaluated: 2023-11-22. Review status: criteria provided, single submitter. Criteria: ARUP Molecular Germline Variant Investigation Process 2024. Collection method: clinical testing. Allele origin: germline.

GeneDx
Classification: Likely benign. Last evaluated: 2018-05-31. Review status: criteria provided, single submitter. Criteria: GeneDx Variant Classification Process June 2021. Collection method: clinical testing. Allele origin: germline. Affected: yes.

Illumina Laboratory Services, Illumina
Classification: Uncertain significance for Majeed syndrome. Last evaluated: 2018-01-13. Review status: criteria provided, single submitter. Criteria: ICSL Variant Classification Criteria 13 December 2019. Collection method: clinical testing. Allele origin: germline.

PreventionGenetics, part of Exact Sciences
Classification: Likely benign for LPIN2-related condition. Last evaluated: 2021-07-12. Review status: no assertion criteria provided. Collection method: clinical testing. Allele origin: germline. Not counted in ClinVar's aggregate classification.
Comment: This variant is classified as likely benign based on ACMG/AMP sequence variant interpretation guidelines (Richards et al. 2015 PMID: 25741868, with internal and published modifications).